The following is an entry in ClinVar:

ClinVar aggregate classification (germline): Uncertain significance (1 of 4 stars; one submission).

Conditions:
Epilepsy, early-onset, with or without developmental delay. Identifiers: MedGen C5882670, MONDO:0030005, OMIM 618832.

Allele frequency attached by ClinVar (database versions not stated): gnomAD exomes below 0.00001.
gnomAD v4.1: 4 of 1,613,200 alleles (0.00025%); highest among the groups gnomAD compares: Non-Finnish European, 0.00025%; no homozygotes.

Submission:

Institute of Human Genetics, University of Leipzig Medical Center
Classification: Uncertain significance for Epilepsy, early-onset, with or without developmental delay. Last evaluated: 2023-08-30. Review status: criteria provided, single submitter. Criteria: ACMG Guidelines, 2015. Collection method: clinical testing. Allele origin: paternal. Inheritance: Autosomal dominant inheritance. Affected: yes.
Comment: Criteria applied: PM2_SUP,PP3

NM_014712.3(SETD1A):c.4829G>A (p.Arg1610Gln)

Gene: SETD1A (SET domain containing 1A, histone lysine methyltransferase; plus strand). Cytogenetic location: 16p11.2.
Variant type: single nucleotide variant.
Coding change: c.4829G>A on transcript NM_014712.3 (MANE Select); coding-DNA position 4829, G replaced by A.
Protein change: p.Arg1610Gln; replaces arginine 1610 with glutamine.
Molecular consequence: missense variant.
Genome position (GRCh38, 1-based): chr16:30,983,651, G>A. VCF-style: chr16-30983651-G-A. GRCh37 (hg19) VCF-style: chr16-30994972-G-A.
Other names: short protein forms R1610Q.
Identifiers: ClinVar variation 2664971 (VCV002664971.2), dbSNP rs2543917700, ClinGen allele CA395636001.